The following is an entry in ClinVar:

NM_000138.5(FBN1):c.3706T>G (p.Cys1236Gly)

Gene: FBN1 (fibrillin 1; minus strand). Cytogenetic location: 15q21.1.
Variant type: single nucleotide variant.
Coding change: c.3706T>G on transcript NM_000138.5 (MANE Select); coding-DNA position 3706, T replaced by G.
Protein change: p.Cys1236Gly; replaces cysteine 1236 with glycine.
Molecular consequence: missense variant.
Genome position (GRCh38, 1-based): chr15:48,485,380, A>C on the plus strand (T>G on the coding strand, the complement: FBN1 is on the minus strand). VCF-style: chr15-48485380-A-C. GRCh37 (hg19) VCF-style: chr15-48777577-A-C.
Other names: short protein forms C1236G.
Identifiers: ClinVar variation 1350034 (VCV001350034.8), dbSNP rs1555398380, ClinGen allele CA392324306.

ClinVar aggregate classification (germline): Likely pathogenic (1 of 4 stars; one submission).

Conditions:
Marfan syndrome (MFS). Also called: Marfan syndrome type 1; Marfan's syndrome; FBN1-Related Marfan Syndrome; MARFAN SYNDROME, TYPE I; Marfan syndrome, classic. Identifiers: Orphanet 284963, Orphanet 558, MedGen C0024796, MONDO:0007947, OMIM 154700.
Familial thoracic aortic aneurysm and aortic dissection (TAAD). Also called: Thoracic aortic aneurysms and dissections. Identifiers: Orphanet 91387, MedGen C4707243, MONDO:0019625.

Submission:

Labcorp Genetics (formerly Invitae), Labcorp
Classification: Likely pathogenic for Marfan syndrome; Familial thoracic aortic aneurysm and aortic dissection. Last evaluated: 2021-01-07. Review status: criteria provided, single submitter. Criteria: Invitae Variant Classification Sherloc (09022015). Collection method: clinical testing. Allele origin: germline.
Comment: In summary, the currently available evidence indicates that the variant is pathogenic, but additional data are needed to prove that conclusively. Therefore, this variant has been classified as Likely Pathogenic. This variant affects a cysteine residue in the EGF-like, TGFBP or hybrid motif domains of FBN1. Cysteine residues are believed to be involved in intramolecular disulfide bridges and have been shown to be important for FBN1 protein structure (PMID: 16905551, 19349279). In addition, missense substitutions affecting cysteine residues within these domains are significantly overrepresented among patients with Marfan syndrome (PMID: 16571647, 17701892). Advanced modeling of protein sequence and biophysical properties (such as structural, functional, and spatial information, amino acid conservation, physicochemical variation, residue mobility, and thermodynamic stability) performed at Invitae indicates that this missense variant is expected to disrupt FBN1 protein function. This variant has not been reported in the literature in individuals with FBN1-related conditions. This variant is not present in population databases (ExAC no frequency). This sequence change replaces cysteine with glycine at codon 1236 of the FBN1 protein (p.Cys1236Gly). The cysteine residue is highly conserved and there is a large physicochemical difference between cysteine and glycine. This variant disrupts the p.Cys1236 amino acid residue in FBN1. Other variant(s) that disrupt this residue have been observed in individuals with FBN1-related conditions (PMID: 15770129, Invitae), which suggests that this may be a clinically significant amino acid residue.

Literature cited by the submitters: PubMed 16905551; PubMed 19349279; PubMed 16571647; PubMed 17701892; PubMed 15770129.